The following is an entry in ClinVar:

ClinVar aggregate classification (germline): Uncertain significance. Review status: criteria provided, multiple submitters, no conflicts (2 of 4 stars). 2 submissions from 2 submitters: Uncertain significance (2). Last evaluated 2025-08-21.

Conditions:
Charcot-Marie-Tooth disease type 4. Also called: Charcot-Marie-Tooth, Type 4; Charcot-Marie-Tooth disease, type IV. Identifiers: Orphanet 64749, MedGen C4082197, MONDO:0018995.
Inborn genetic diseases. Identifiers: MedGen C0950123, MeSH D030342.

Allele frequency attached by ClinVar (database versions not stated): gnomAD exomes below 0.00001 and 0.00001; TOPMed below 0.00001; gnomAD 0.00001.
gnomAD v4.1: 9 of 1,614,014 alleles (0.00056%); highest among the groups gnomAD compares: Non-Finnish European, 0.00076%; no homozygotes.

Submissions (2):

Ambry Genetics
Classification: Uncertain significance for Inborn genetic diseases. Last evaluated: 2025-08-21. Review status: criteria provided, single submitter. Criteria: Ambry Variant Classification Scheme 2023. Collection method: clinical testing. Allele origin: germline.

Labcorp Genetics (formerly Invitae), Labcorp
Classification: Uncertain significance for Charcot-Marie-Tooth disease type 4. Last evaluated: 2021-12-02. Review status: criteria provided, single submitter. Criteria: Invitae Variant Classification Sherloc (09022015). Collection method: clinical testing. Allele origin: germline.
Comment: This sequence change replaces methionine, which is neutral and non-polar, with isoleucine, which is neutral and non-polar, at codon 67 of the NDRG1 protein (p.Met67Ile). This variant is present in population databases (no rsID available, gnomAD 0.0009%). This variant has not been reported in the literature in individuals affected with NDRG1-related conditions. ClinVar contains an entry for this variant (Variation ID: 860163). Algorithms developed to predict the effect of missense changes on protein structure and function (SIFT, PolyPhen-2, Align-GVGD) all suggest that this variant is likely to be tolerated. In summary, the available evidence is currently insufficient to determine the role of this variant in disease. Therefore, it has been classified as a Variant of Uncertain Significance.

NM_006096.4(NDRG1):c.201G>A (p.Met67Ile)

Gene: NDRG1 (N-myc downstream regulated 1; minus strand). Cytogenetic location: 8q24.22.
Variant type: single nucleotide variant.
Coding change: c.201G>A on transcript NM_006096.4 (MANE Select); coding-DNA position 201, G replaced by A.
Protein change: p.Met67Ile; replaces methionine 67 with isoleucine.
Molecular consequence: missense variant. On other transcripts: initiator codon variant (2), intron variant (1).
Genome position (GRCh38, 1-based): chr8:133,264,551, C>T on the plus strand (G>A on the coding strand, the complement: NDRG1 is on the minus strand). VCF-style: chr8-133264551-C-T. GRCh37 (hg19) VCF-style: chr8-134276794-C-T.
Other names: c.201G>A, p.Met67Ile (NM_001135242.2, NM_001374844.1, NM_001374845.1 and 1 more transcripts); c.3G>A, p.Met1Ile (NM_001258432.2, NM_001374847.1); c.-38-2384G>A (NM_001258433.2); short protein forms M67I, M1I.
Identifiers: ClinVar variation 860163 (VCV000860163.8), dbSNP rs1240902905, ClinGen allele CA372256432.